The following is an entry in ClinVar:

ClinVar aggregate classification (germline): Likely benign. Review status: criteria provided, multiple submitters, no conflicts (2 of 4 stars). 3 submissions from 3 submitters: Likely benign (2). 1 of the submissions does not count toward it. Last evaluated 2026-01-17.

Conditions:
PKD1-related disorder. Also called: PKD1-related condition.
Polycystic kidney disease. Also called: Kidney, Polycystic; Polycystic kidney dysplasia. Identifiers: HP:0000113, MedGen C0022680, MeSH D007690, MONDO:0020642.

Allele frequency attached by ClinVar (database versions not stated): TOPMed 0.00001; gnomAD 0.00002 and 0.00005; gnomAD exomes 0.00014 and 0.00028; 1000 Genomes Project 30x 0.00016; 1000 Genomes Project 0.00020; ExAC 0.00035.
gnomAD v4.1: 204 of 1,610,064 alleles (0.013%); highest among the groups gnomAD compares: South Asian, 0.2%; 2 homozygotes.

Submissions (3):

PreventionGenetics, part of Exact Sciences
Classification: Likely benign for PKD1-related condition. Last evaluated: 2026-01-17. Review status: criteria provided, single submitter. Criteria: ACMG Guidelines, 2015. Collection method: clinical testing. Allele origin: germline.
Comment: This variant is classified as likely benign based on ACMG/AMP sequence variant interpretation guidelines (Richards et al. 2015 PMID: 25741868, with internal and published modifications).

Blueprint Genetics
Classification: Likely benign. Last evaluated: 2024-11-26. Review status: criteria provided, single submitter. Criteria: ACMG Guidelines, 2015. Collection method: clinical testing. Allele origin: germline.

Department of Pathology and Laboratory Medicine, Sinai Health System
Classification: Likely benign for Polycystic Kidney disease. Review status: no assertion criteria provided. Collection method: clinical testing. Allele origin: unknown. Affected: yes. Study: The Canadian Open Genetics Repository (COGR). Not counted in ClinVar's aggregate classification.
Comment: The PKD1 p.Ala1302Ala variant was not identified in the literature nor was it identified in the - Clinvitae, ClinVar, GeneInsight COGR, MutDB, ADPKD Mutation Database, PKD1-LOVD, and PKD1-LOVD 3.0 databases. The variant was identified in dbSNP (ID: rs547817931) as â€šÃ„ÃºN/Aâ€šÃ„Ã¹, in the 1000 Genomes Project in 1 of 5000 chromosomes (frequency: 0.0002), the Exome Aggregation Consortium database (August 8, 2016) in 39 (1 homozygous) of 111838 chromosomes (freq. 0.0003) in the following populations: South Asian in 36 of 16250 chromosomes (freq. 0.002), European in 2 of 61142 chromosomes (freq.0.00003), and European in 1 of 8226 chromosomes (freq. 0.0001), increasing the likelihood this could be a low frequency benign variant. The p.Ala1302Ala variant is not expected to have clinical significance because it does not result in a change of amino acid and is not located in a known consensus splice site. In addition, the variant occurs outside of the splicing consensus sequence and in silico or computational prediction software programs (SpliceSiteFinder, MaxEntScan, NNSPLICE, GeneSplicer, HumanSpliceFinder) do not predict a difference in splicing. In summary, based on the above information, the clinical significance of this variant cannot be determined with certainty at this time although we would lean towards a more benign role for this variant. This variant is classified as likely benign.

NM_001009944.3(PKD1):c.3906C>T (p.Ala1302=)

Gene: PKD1 (polycystin 1, transient receptor potential channel interacting; minus strand). Cytogenetic location: 16p13.3.
Variant type: single nucleotide variant.
Coding change: c.3906C>T on transcript NM_001009944.3 (MANE Select); coding-DNA position 3906, C replaced by T.
Protein change: p.Ala1302=; no amino-acid change (alanine 1302 retained).
Molecular consequence: synonymous variant.
Genome position (GRCh38, 1-based): chr16:2,111,261, G>A on the plus strand (C>T on the coding strand, the complement: PKD1 is on the minus strand). VCF-style: chr16-2111261-G-A. GRCh37 (hg19) VCF-style: chr16-2161262-G-A.
Other names: c.3906C>T, p.Ala1302= (NM_000296.4).
Identifiers: ClinVar variation 433959 (VCV000433959.5), dbSNP rs547817931, ClinGen allele CA7832584.